The following is an entry in ClinVar:

NM_001164277.2(SLC37A4):c.397C>T (p.Gln133Ter)

Gene: SLC37A4 (solute carrier family 37 member 4; minus strand). Cytogenetic location: 11q23.3.
Variant type: single nucleotide variant.
Coding change: c.397C>T on transcript NM_001164277.2 (MANE Select); coding-DNA position 397, C replaced by T.
Protein change: p.Gln133Ter; replaces glutamine 133 with a stop codon.
Molecular consequence: nonsense.
Genome position (GRCh38, 1-based): chr11:119,027,857, G>A on the plus strand (C>T on the coding strand, the complement: SLC37A4 is on the minus strand). VCF-style: chr11-119027857-G-A. GRCh37 (hg19) VCF-style: chr11-118898567-G-A.
Other names: c.397C>T, p.Gln133Ter (NM_001164278.2, NM_001164280.2, NM_001467.6); c.178C>T, p.Gln60Ter (NM_001164279.2); short protein forms Q133*, Q60*.
Identifiers: ClinVar variation 4814673 (VCV004814673.1).

ClinVar aggregate classification (germline): Likely pathogenic (1 of 4 stars; one submission).

Conditions:
Glucose-6-phosphate transport defect (GSD1B). Also called: Glycogen Storage Disease Type Ib; GSD Ib. Identifiers: Orphanet 364, Orphanet 79259, MedGen C0268146, MONDO:0009288, OMIM 232220.

Submission:

Natera, Inc.
Classification: Likely pathogenic for Glycogen storage disease type Ib. Last evaluated: 2024-07-30. Review status: criteria provided, single submitter. Criteria: Natera Variant Classification Schema (03/2026). Collection method: clinical testing. Allele origin: germline.
Comment: The c.397C>T variant in SLC37A4 is a nonsense variant predicted to introduce a stop codon at amino acid 133. This variant is expected to result in nonsense mediated decay, truncation, or a dysfunctional protein product. This variant is rare in the general population with a frequency below the threshold expected for the associated phenotype(s). Given the available evidence, this variant is classified as Likely Pathogenic.